The following is an entry in ClinVar:

ClinVar aggregate classification (germline): Benign (1 of 4 stars; one submission).

Allele frequency attached by ClinVar (database versions not stated): 1000 Genomes Project 0.03115; 1000 Genomes Project 30x 0.03576; TOPMed 0.03670.
gnomAD v4.1: 4,899 of 151,288 alleles (3.2%); highest among the groups gnomAD compares: African/African-American, 11%; 241 homozygotes.

Submission:

GeneDx
Classification: Benign. Last evaluated: 2018-06-16. Review status: criteria provided, single submitter. Criteria: GeneDx Variant Classification (06012015). Collection method: clinical testing. Allele origin: germline. Affected: yes.
Comment: This variant is considered likely benign or benign based on one or more of the following criteria: it is a conservative change, it occurs at a poorly conserved position in the protein, it is predicted to be benign by multiple in silico algorithms, and/or has population frequency not consistent with disease.

NM_001035.3(RYR2):c.6555+242T>A

Gene: RYR2 (ryanodine receptor 2; plus strand). Cytogenetic location: 1q43.
Variant type: single nucleotide variant.
Coding change: c.6555+242T>A on transcript NM_001035.3 (MANE Select); 242 bases into the intron after coding-DNA position 6555, T replaced by A.
Molecular consequence: intron variant.
Genome position (GRCh38, 1-based): chr1:237,631,783, T>A. VCF-style: chr1-237631783-T-A. GRCh37 (hg19) VCF-style: chr1-237795083-T-A.
Identifiers: ClinVar variation 678648 (VCV000678648.1), dbSNP rs138077876, ClinGen allele CA39842465.